The following is an entry in ClinVar:

ClinVar aggregate classification (germline): Likely pathogenic (1 of 4 stars; one submission).

Conditions:
Dilated cardiomyopathy 1G (CMD1G). Identifiers: Orphanet 154, MedGen C1858763, MONDO:0011400, OMIM 604145.
Autosomal recessive limb-girdle muscular dystrophy type 2J (LGMDR10). Also called: Limb-girdle muscular dystrophy, type 2J; MUSCULAR DYSTROPHY, LIMB-GIRDLE, AUTOSOMAL RECESSIVE 10. Identifiers: Orphanet 140922, MedGen C1837342, MONDO:0012127, OMIM 608807.

Submission:

Labcorp Genetics (formerly Invitae), Labcorp
Classification: Likely pathogenic for Dilated cardiomyopathy 1G; Autosomal recessive limb-girdle muscular dystrophy type 2J. Last evaluated: 2025-06-08. Review status: criteria provided, single submitter. Criteria: Invitae Variant Classification Sherloc (09022015). Collection method: clinical testing. Allele origin: germline.
Comment: This sequence change creates a premature translational stop signal (p.Ile2059Asnfs*7) in the TTN gene. While this is not anticipated to result in nonsense mediated decay, it is expected to create a truncated TTN protein. This variant is not present in population databases (gnomAD no frequency). This variant has not been reported in the literature in individuals affected with TTN-related conditions. This variant is located in the Z band of TTN (PMID: 25589632). Truncating variants in this region have been reported in individuals affected with autosomal recessive centronuclear myopathy (PMID: 33449170, internal data). Truncating variants in this region have also been identified in individuals affected with autosomal dominant dilated cardiomyopathy and/or cardio-related conditions (PMID: 27869827, 32964742, internal data). In summary, the currently available evidence indicates that the variant is pathogenic, but additional data are needed to prove that conclusively. Therefore, this variant has been classified as Likely Pathogenic.

Literature cited by the submitters: PubMed 25589632; PubMed 33449170; PubMed 27869827; PubMed 32964742.

NM_001267550.2(TTN):c.6175dup (p.Ile2059fs)

Gene: TTN (titin; minus strand). Cytogenetic location: 2q31.2.
Variant type: Duplication.
Coding change: c.6175dup on transcript NM_001267550.2 (MANE Select); coding-DNA position 6175, one base duplicated (A; older notation c.6175dupA).
Protein change: p.Ile2059fs; shifts the reading frame from isoleucine 2059.
Molecular consequence: frameshift variant.
Genome position (GRCh38, 1-based): chr2:178,775,689, T duplicated on the plus strand (A on the coding strand, the reverse complement: TTN is on the minus strand); the first of 4 consecutive T bases (chr2:178,775,689-178,775,692); duplicating any one gives the same sequence. VCF-style (leftmost placement, unchanged base first): chr2-178775688-A-AT. GRCh37 (hg19) VCF-style: chr2-179640415-A-AT.
Other names: c.6175dup, p.Ile2059fs (NM_001256850.1, NM_133378.4, NM_133379.5); c.6037dup, p.Ile2013fs (NM_003319.4, NM_133432.3, NM_133437.4); short protein forms I2013fs, I2059fs.
Identifiers: ClinVar variation 4782348 (VCV004782348.1).
Genomic context (GRCh38, chr2:178,775,688, plus strand): 5'-TTTGGAGCCTCCATACTAGGACTTAGTTCAATCTTGTCAGGTTTAAAAGTTGGAATCGTG[A>AT]TTTTGCCTTCTTCGGCAAGAGCTTTCTTTTCCTCTTCAGTTAACTCTTTGGTCCAGTGGA-3'